The following is an entry in ClinVar:

ClinVar aggregate classification (germline): Uncertain significance (1 of 4 stars; one submission).

Conditions:
Hereditary cancer-predisposing syndrome. Also called: Neoplastic Syndromes, Hereditary; Tumor predisposition; Hereditary Cancer Syndrome; Hereditary neoplastic syndrome. Identifiers: Orphanet 140162, MedGen C0027672, MeSH D009386, MONDO:0015356.

Submission:

Ambry Genetics
Classification: Uncertain significance for Hereditary cancer-predisposing syndrome. Last evaluated: 2026-01-10. Review status: criteria provided, single submitter. Criteria: Ambry Variant Classification Scheme 2023. Collection method: clinical testing. Allele origin: germline.
Comment: The p.Q569H variant (also known as c.1707G>C), located in coding exon 5 of the AXIN2 gene, results from a G to C substitution at nucleotide position 1707. The glutamine at codon 569 is replaced by histidine, an amino acid with highly similar properties. This amino acid position is conserved. In addition, this alteration is predicted to be tolerated by in silico analysis. Based on the available evidence, the clinical significance of this variant remains unclear.

NM_004655.4(AXIN2):c.1707G>C (p.Gln569His)

Gene: AXIN2 (axin 2; minus strand). Cytogenetic location: 17q24.1.
Variant type: single nucleotide variant.
Coding change: c.1707G>C on transcript NM_004655.4 (MANE Select); coding-DNA position 1707, G replaced by C.
Protein change: p.Gln569His; replaces glutamine 569 with histidine.
Molecular consequence: missense variant.
Genome position (GRCh38, 1-based): chr17:65,537,329, C>G on the plus strand (G>C on the coding strand, the complement: AXIN2 is on the minus strand). VCF-style: chr17-65537329-C-G. GRCh37 (hg19) VCF-style: chr17-63533447-C-G.
Other names: c.1707G>C, p.Gln569His (NM_001363813.1); short protein forms Q569H.
Identifiers: ClinVar variation 4843059 (VCV004843059.1).
Genomic context (GRCh38, chr17:65,537,329, plus strand): 5'-GACCTGGCTGGGAGACAAGCCCCACACGGGACACTGCGGTCCGCCCGGCACTTACCCAAA[C>G]TGCTCGCTGGGCATGGTTTCCGGAGCCTTGGAGTGGCTTTTGCATTTCGAGTAGCAGTAA-3'
Protein context (NP_004646.3, residues 559-579): SKAPETMPSE[Gln569His]FGGSRGSTLP